The following is an entry in ClinVar:

NM_001999.4(FBN2):c.4627G>A (p.Val1543Ile)

Gene: FBN2 (fibrillin 2; minus strand). Cytogenetic location: 5q23.3.
Variant type: single nucleotide variant.
Coding change: c.4627G>A on transcript NM_001999.4 (MANE Select); coding-DNA position 4627, G replaced by A.
Protein change: p.Val1543Ile; replaces valine 1543 with isoleucine.
Molecular consequence: missense variant.
Genome position (GRCh38, 1-based): chr5:128,318,239, C>T on the plus strand (G>A on the coding strand, the complement: FBN2 is on the minus strand). VCF-style: chr5-128318239-C-T. GRCh37 (hg19) VCF-style: chr5-127653931-C-T.
Other names: short protein forms V1543I.
Identifiers: ClinVar variation 458768 (VCV000458768.9), dbSNP rs1554121038, ClinGen allele CA360749923.

ClinVar aggregate classification (germline): Uncertain significance (1 of 4 stars; one submission).

Conditions:
Congenital contractural arachnodactyly (CCA). Also called: Beals-Hecht syndrome; BEALS SYNDROME; Arthrogryposis, distal, type 9. Identifiers: Orphanet 115, MedGen C0220668, MONDO:0007363, OMIM 121050.

Submission:

Labcorp Genetics (formerly Invitae), Labcorp
Classification: Uncertain significance for Congenital contractural arachnodactyly. Last evaluated: 2017-04-26. Review status: criteria provided, single submitter. Criteria: Invitae Variant Classification Sherloc (09022015). Collection method: clinical testing. Allele origin: germline.
Comment: In summary, this variant is a novel missense change with uncertain impact on protein function. It has been classified as a Variant of Uncertain Significance. This variant is not present in population databases (ExAC no frequency) and has not been reported in the literature in individuals with a FBN2-related disease. Algorithms developed to predict the effect of missense changes on protein structure and function do not agree on the potential impact of this missense change (SIFT: "Deleterious"; PolyPhen-2: "Benign"; Align-GVGD: "Class C25"). This sequence change replaces valine with isoleucine at codon 1543 of the FBN2 protein (p.Val1543Ile). The valine residue is highly conserved and there is a small physicochemical difference between valine and isoleucine.